The following is an entry in ClinVar:

ClinVar aggregate classification (germline): Uncertain significance. Review status: criteria provided, multiple submitters, no conflicts (2 of 4 stars). 2 submissions from 2 submitters: Uncertain significance (2). Last evaluated 2025-12-16.

Allele frequency attached by ClinVar (database versions not stated): ExAC 0.00003.
gnomAD v4.1: 48 of 1,608,800 alleles (0.003%); highest among the groups gnomAD compares: South Asian, 0.028%; no homozygotes.

Submissions (2):

Ambry Genetics
Classification: Uncertain significance. Last evaluated: 2025-12-16. Review status: criteria provided, single submitter. Criteria: Ambry Variant Classification Scheme 2023. Collection method: clinical testing. Allele origin: germline.

Labcorp Genetics (formerly Invitae), Labcorp
Classification: Uncertain significance. Last evaluated: 2025-01-06. Review status: criteria provided, single submitter. Criteria: Invitae Variant Classification Sherloc (09022015). Collection method: clinical testing. Allele origin: germline.
Comment: This sequence change replaces valine, which is neutral and non-polar, with isoleucine, which is neutral and non-polar, at codon 178 of the IFT57 protein (p.Val178Ile). This variant is present in population databases (rs758574443, gnomAD 0.03%). This variant has not been reported in the literature in individuals affected with IFT57-related conditions. ClinVar contains an entry for this variant (Variation ID: 2056051). An algorithm developed to predict the effect of missense changes on protein structure and function outputs the following: PolyPhen-2: "Benign". The isoleucine amino acid residue is found in multiple mammalian species, which suggests that this missense change does not adversely affect protein function. In summary, the available evidence is currently insufficient to determine the role of this variant in disease. Therefore, it has been classified as a Variant of Uncertain Significance.

NM_018010.4(IFT57):c.532G>A (p.Val178Ile)

Gene: IFT57 (intraflagellar transport 57; minus strand). Cytogenetic location: 3q13.13.
Variant type: single nucleotide variant.
Coding change: c.532G>A on transcript NM_018010.4 (MANE Select); coding-DNA position 532, G replaced by A.
Protein change: p.Val178Ile; replaces valine 178 with isoleucine.
Molecular consequence: missense variant.
Genome position (GRCh38, 1-based): chr3:108,213,984, C>T on the plus strand (G>A on the coding strand, the complement: IFT57 is on the minus strand). VCF-style: chr3-108213984-C-T. GRCh37 (hg19) VCF-style: chr3-107932831-C-T.
Other names: c.532G>A (NM_018010.3); short protein forms V178I.
Identifiers: ClinVar variation 2056051 (VCV002056051.5), dbSNP rs758574443, ClinGen allele CA2526674.
Genomic context (GRCh38, chr3:108,213,984, plus strand): 5'-CACATACCACAAATTCTTCATCCACTTTATTTAATGTTAATTCTGCATCATCTTCTGCAA[C>T]GCTTTCTTCTTCTAATTCTTCTACTGGGTATATTGGCCTAAAATAATAAGATTAAACATG-3'
Protein context (NP_060480.1, residues 168-188): YPVEELEEES[Val178Ile]AEDDAELTLN